The following is an entry in ClinVar:

ClinVar aggregate classification (germline): Uncertain significance (1 of 4 stars; one submission).

gnomAD v4.1: 2 of 1,614,054 alleles (0.00012%); highest among the groups gnomAD compares: Non-Finnish European, 0.00017%; no homozygotes.

Submission:

Labcorp Genetics (formerly Invitae), Labcorp
Classification: Uncertain significance. Last evaluated: 2024-09-21. Review status: criteria provided, single submitter. Criteria: Invitae Variant Classification Sherloc (09022015). Collection method: clinical testing. Allele origin: germline.
Comment: This sequence change replaces valine, which is neutral and non-polar, with leucine, which is neutral and non-polar, at codon 184 of the NEUROD1 protein (p.Val184Leu). This variant is present in population databases (rs772202892, gnomAD 0.0009%). This variant has not been reported in the literature in individuals affected with NEUROD1-related conditions. Invitae Evidence Modeling of protein sequence and biophysical properties (such as structural, functional, and spatial information, amino acid conservation, physicochemical variation, residue mobility, and thermodynamic stability) indicates that this missense variant is expected to disrupt NEUROD1 protein function with a positive predictive value of 80%. In summary, the available evidence is currently insufficient to determine the role of this variant in disease. Therefore, it has been classified as a Variant of Uncertain Significance.

NM_002500.5(NEUROD1):c.550G>C (p.Val184Leu)

Gene: NEUROD1 (neuronal differentiation 1; minus strand). Cytogenetic location: 2q31.3.
Variant type: single nucleotide variant.
Coding change: c.550G>C on transcript NM_002500.5 (MANE Select); coding-DNA position 550, G replaced by C.
Protein change: p.Val184Leu; replaces valine 184 with leucine.
Molecular consequence: missense variant.
Genome position (GRCh38, 1-based): chr2:181,678,311, C>G on the plus strand (G>C on the coding strand, the complement: NEUROD1 is on the minus strand). VCF-style: chr2-181678311-C-G. GRCh37 (hg19) VCF-style: chr2-182543038-C-G.
Other names: short protein forms V184L.
Identifiers: ClinVar variation 3692446 (VCV003692446.2).
Genomic context (GRCh38, chr2:181,678,311, plus strand): 5'-GCATGTCCTGGTTCTGCTCAGGCAGAAAAGTCCGAGGATTGAGTTGCAGGCAGCCCGCAA[C>G]CAGGTTGGTGGTGGGTTGGGATAAGCCCTTGCAAAGCGTCTGAACGAAGGAGACCAGGTC-3'
Protein context (NP_002491.3, residues 174-194): KGLSQPTTNL[Val184Leu]AGCLQLNPRT